The following is an entry in ClinVar:

NM_020638.3(FGF23):c.511A>G (p.Thr171Ala)

Gene: FGF23 (fibroblast growth factor 23; minus strand). Cytogenetic location: 12p13.32.
Variant type: single nucleotide variant.
Coding change: c.511A>G on transcript NM_020638.3 (MANE Select); coding-DNA position 511, A replaced by G.
Protein change: p.Thr171Ala; replaces threonine 171 with alanine.
Molecular consequence: missense variant.
Genome position (GRCh38, 1-based): chr12:4,370,588, T>C on the plus strand (A>G on the coding strand, the complement: FGF23 is on the minus strand). VCF-style: chr12-4370588-T-C. GRCh37 (hg19) VCF-style: chr12-4479754-T-C.
Other names: short protein forms T171A.
Identifiers: ClinVar variation 4710062 (VCV004710062.1).
Genomic context (GRCh38, chr12:4,370,588, plus strand): 5'-TCAGGGGGTCCCGCTCCGAGTCGTCCTCGGCGCTCCGGGTGTGCCGCCGTGGTATGGGGG[T>C]GTTGAAGTGAATTAGGGGGATCTCGTTCCTCCGGGACAGGAACTGGGAGTACGGGGGTGG-3'
Protein context (NP_065689.1, residues 161-181): RNEIPLIHFN[Thr171Ala]PIPRRHTRSA

ClinVar aggregate classification (germline): Uncertain significance (1 of 4 stars; one submission).

Submission:

Labcorp Genetics (formerly Invitae), Labcorp
Classification: Uncertain significance. Last evaluated: 2025-11-11. Review status: criteria provided, single submitter. Criteria: Invitae Variant Classification Sherloc (09022015). Collection method: clinical testing. Allele origin: germline.
Comment: This sequence change replaces threonine, which is neutral and polar, with alanine, which is neutral and non-polar, at codon 171 of the FGF23 protein (p.Thr171Ala). This variant is not present in population databases (gnomAD no frequency). This variant has not been reported in the literature in individuals affected with FGF23-related conditions. Invitae Evidence Modeling of protein sequence and biophysical properties (such as structural, functional, and spatial information, amino acid conservation, physicochemical variation, residue mobility, and thermodynamic stability) has been performed for this missense variant. However, the output from this modeling did not meet the statistical confidence thresholds required to predict the impact of this variant on FGF23 protein function. In summary, the available evidence is currently insufficient to determine the role of this variant in disease. Therefore, it has been classified as a Variant of Uncertain Significance.